The following is an entry in ClinVar:

NM_000179.3(MSH6):c.1139A>G (p.Asp380Gly)

Gene: MSH6 (mutS homolog 6; plus strand). Cytogenetic location: 2p16.3.
Variant type: single nucleotide variant.
Coding change: c.1139A>G on transcript NM_000179.3 (MANE Select); coding-DNA position 1139, A replaced by G.
Protein change: p.Asp380Gly; replaces aspartic acid 380 with glycine.
Molecular consequence: missense variant.
Genome position (GRCh38, 1-based): chr2:47,799,122, A>G. VCF-style: chr2-47799122-A-G. GRCh37 (hg19) VCF-style: chr2-48026261-A-G.
Other names: c.749A>G, p.Asp250Gly (NM_001281492.2); c.233A>G, p.Asp78Gly (NM_001281493.2, NM_001281494.2); c.1139A>G (NM_000179.2); short protein forms D380G, D78G, D250G.
Identifiers: ClinVar variation 1351157 (VCV001351157.7), dbSNP rs1114167779, ClinGen allele CA346742137.

ClinVar aggregate classification (germline): Uncertain significance. Review status: criteria provided, multiple submitters, no conflicts (2 of 4 stars). 2 submissions from 2 submitters: Uncertain significance (2). Last evaluated 2024-12-20.

Conditions:
Hereditary nonpolyposis colorectal neoplasms. Identifiers: MedGen C0009405, MeSH D003123.
Hereditary cancer-predisposing syndrome. Also called: Neoplastic Syndromes, Hereditary; Tumor predisposition; Hereditary neoplastic syndrome; Hereditary Cancer Syndrome. Identifiers: Orphanet 140162, MedGen C0027672, MeSH D009386, MONDO:0015356.

Allele frequency attached by ClinVar (database versions not stated): TOPMed below 0.00001.

Submissions (2):

Ambry Genetics
Classification: Uncertain significance for Hereditary cancer-predisposing syndrome. Last evaluated: 2024-12-20. Review status: criteria provided, single submitter. Criteria: Ambry Variant Classification Scheme 2023. Collection method: clinical testing. Allele origin: germline.
Comment: The p.D380G variant (also known as c.1139A>G), located in coding exon 4 of the MSH6 gene, results from an A to G substitution at nucleotide position 1139. The aspartic acid at codon 380 is replaced by glycine, an amino acid with similar properties. This amino acid position is conserved. In addition, this alteration is predicted to be deleterious by in silico analysis. Based on the available evidence, the clinical significance of this variant remains unclear.

Labcorp Genetics (formerly Invitae), Labcorp
Classification: Uncertain significance for Hereditary nonpolyposis colorectal neoplasms. Last evaluated: 2024-05-22. Review status: criteria provided, single submitter. Criteria: Invitae Variant Classification Sherloc (09022015). Collection method: clinical testing. Allele origin: germline.
Comment: This sequence change replaces aspartic acid, which is acidic and polar, with glycine, which is neutral and non-polar, at codon 380 of the MSH6 protein (p.Asp380Gly). This variant is not present in population databases (gnomAD no frequency). This missense change has been observed in individual(s) with clinical features of MSH6-related conditions (Invitae). ClinVar contains an entry for this variant (Variation ID: 1351157). Advanced modeling of protein sequence and biophysical properties (such as structural, functional, and spatial information, amino acid conservation, physicochemical variation, residue mobility, and thermodynamic stability) has been performed at Invitae for this missense variant, however the output from this modeling did not meet the statistical confidence thresholds required to predict the impact of this variant on MSH6 protein function. RNA analysis performed to evaluate the impact of this missense change on mRNA splicing indicates it does not significantly alter splicing (Invitae). In summary, the available evidence is currently insufficient to determine the role of this variant in disease. Therefore, it has been classified as a Variant of Uncertain Significance.